The following is an entry in ClinVar:

NM_001614.5(ACTG1):c.*2C>T

Gene: ACTG1 (actin gamma 1; minus strand). Cytogenetic location: 17q25.3.
Variant type: single nucleotide variant.
Coding change: c.*2C>T on transcript NM_001614.5 (MANE Select); 2 bases downstream of the stop codon, C replaced by T.
Molecular consequence: 3 prime UTR variant. On other transcripts: non-coding transcript variant (1).
Genome position (GRCh38, 1-based): chr17:81,510,688, G>A on the plus strand (C>T on the coding strand, the complement: ACTG1 is on the minus strand). VCF-style: chr17-81510688-G-A. GRCh37 (hg19) VCF-style: chr17-79477714-G-A.
Other names: c.*2C>T (NM_001614.3, NM_001199954.3).
Identifiers: ClinVar variation 1283070 (VCV001283070.3), dbSNP rs373771602, ClinGen allele CA8835818.

ClinVar aggregate classification (germline): Benign/Likely benign. Review status: criteria provided, multiple submitters, no conflicts (2 of 4 stars). 3 submissions from 3 submitters: Benign (1); Likely benign (1). 1 of the submissions does not count toward it. Last evaluated 2022-09-26.

Conditions:
ACTG1-related disorder. Also called: ACTG1-related condition; ACTG1-related disorders.

Allele frequency attached by ClinVar (database versions not stated): gnomAD exomes 0.00007 and 0.00012; ESP Exome Variant Server 0.00008; gnomAD 0.00012 and 0.00013; TOPMed 0.00012; ExAC 0.00013; 1000 Genomes Project 0.00060; 1000 Genomes Project 30x 0.00062.

Submissions (3):

Blueprint Genetics
Classification: Likely benign. Last evaluated: 2022-09-26. Review status: criteria provided, single submitter. Criteria: ACMG Guidelines, 2015. Collection method: clinical testing. Allele origin: germline.

GeneDx
Classification: Benign. Last evaluated: 2020-02-25. Review status: criteria provided, single submitter. Criteria: GeneDx Variant Classification Process June 2021. Collection method: clinical testing. Allele origin: germline. Affected: yes.

PreventionGenetics, part of Exact Sciences
Classification: Likely benign for ACTG1-related condition. Last evaluated: 2024-05-30. Review status: no assertion criteria provided. Collection method: clinical testing. Allele origin: germline. Not counted in ClinVar's aggregate classification.
Comment: This variant is classified as likely benign based on ACMG/AMP sequence variant interpretation guidelines (Richards et al. 2015 PMID: 25741868, with internal and published modifications).